The following is an entry in ClinVar:

NM_001348768.2(HECW2):c.1913T>C (p.Leu638Pro)

Gene: HECW2 (HECT, C2 and WW domain containing E3 ubiquitin protein ligase 2; minus strand). Cytogenetic location: 2q32.3.
Variant type: single nucleotide variant.
Coding change: c.1913T>C on transcript NM_001348768.2 (MANE Select); coding-DNA position 1913, T replaced by C.
Protein change: p.Leu638Pro; replaces leucine 638 with proline.
Molecular consequence: missense variant.
Genome position (GRCh38, 1-based): chr2:196,318,977, A>G on the plus strand (T>C on the coding strand, the complement: HECW2 is on the minus strand). VCF-style: chr2-196318977-A-G. GRCh37 (hg19) VCF-style: chr2-197183701-A-G.
Other names: c.1913T>C (NM_020760.1, NM_020760.2); c.845T>C, p.Leu282Pro (NM_001304840.3); c.1913T>C, p.Leu638Pro (NM_020760.4); short protein forms L282P, L638P.
Identifiers: ClinVar variation 1695001 (VCV001695001.33), dbSNP rs143162155, ClinGen allele CA2038235.

ClinVar aggregate classification (germline): Likely benign. Review status: criteria provided, multiple submitters, no conflicts (2 of 4 stars). 4 submissions from 4 submitters: Likely benign (3). 1 of the submissions does not count toward it. Last evaluated 2025-09-05.

Conditions:
Inborn genetic diseases. Identifiers: MedGen C0950123, MeSH D030342.
HECW2-related disorder. Also called: HECW2-related condition.

Allele frequency attached by ClinVar (database versions not stated): gnomAD exomes 0.00005 and 0.00012; ExAC 0.00015; TOPMed 0.00022; ESP Exome Variant Server 0.00023; gnomAD 0.00029 and 0.00033; 1000 Genomes Project 30x 0.00156; 1000 Genomes Project 0.00180.
gnomAD v4.1: 137 of 1,613,484 alleles (0.0085%); highest among the groups gnomAD compares: African/African-American, 0.13%; no homozygotes.

Submissions (4):

Ambry Genetics
Classification: Likely benign for Inborn genetic diseases. Last evaluated: 2025-09-05. Review status: criteria provided, single submitter. Criteria: Ambry Variant Classification Scheme 2023. Collection method: clinical testing. Allele origin: germline.

Blueprint Genetics
Classification: Likely benign. Last evaluated: 2024-09-16. Review status: criteria provided, single submitter. Criteria: ACMG Guidelines, 2015. Collection method: clinical testing. Allele origin: germline.

CeGaT Center for Human Genetics Tuebingen
Classification: Likely benign. Last evaluated: 2024-01-01. Review status: criteria provided, single submitter. Criteria: CeGaT Center For Human Genetics Tuebingen Variant Classification Criteria Version 2. Collection method: clinical testing. Allele origin: germline. Affected: yes. Observed: 2 variant alleles.
Comment: HECW2: BS1

PreventionGenetics, part of Exact Sciences
Classification: Likely benign for HECW2-related condition. Last evaluated: 2024-03-14. Review status: no assertion criteria provided. Collection method: clinical testing. Allele origin: germline. Not counted in ClinVar's aggregate classification.
Comment: This variant is classified as likely benign based on ACMG/AMP sequence variant interpretation guidelines (Richards et al. 2015 PMID: 25741868, with internal and published modifications).